The following is an entry in ClinVar:

NM_002734.5(PRKAR1A):c.526G>A (p.Val176Met)

Gene: PRKAR1A (protein kinase cAMP-dependent type I regulatory subunit alpha; plus strand). Cytogenetic location: 17q24.2.
Variant type: single nucleotide variant.
Coding change: c.526G>A on transcript NM_002734.5 (MANE Select); coding-DNA position 526, G replaced by A.
Protein change: p.Val176Met; replaces valine 176 with methionine.
Molecular consequence: missense variant.
Genome position (GRCh38, 1-based): chr17:68,524,935, G>A. VCF-style: chr17-68524935-G-A. GRCh37 (hg19) VCF-style: chr17-66521076-G-A.
Other names: c.526G>A (NM_002734.3); c.526G>A, p.Val176Met (NM_001276289.2, NM_001276290.1, NM_001278433.2 and 4 more transcripts); short protein forms V176M.
Identifiers: ClinVar variation 964167 (VCV000964167.10), dbSNP rs2085739100, ClinGen allele CA400752983.

ClinVar aggregate classification (germline): Uncertain significance. Review status: criteria provided, multiple submitters, no conflicts (2 of 4 stars). 2 submissions from 2 submitters: Uncertain significance (2). Last evaluated 2025-10-14.

Conditions:
Hereditary cancer-predisposing syndrome. Also called: Tumor predisposition; Hereditary neoplastic syndrome; Hereditary Cancer Syndrome; Neoplastic Syndromes, Hereditary. Identifiers: Orphanet 140162, MedGen C0027672, MeSH D009386, MONDO:0015356.
Carney complex, type 1 (CNC1). Also called: CARNEY MYXOMA-ENDOCRINE COMPLEX; CARNEY COMPLEX, TYPE I. Identifiers: Orphanet 1359, MedGen C2607929, MONDO:0008057, OMIM 160980.

Submissions (2):

Ambry Genetics
Classification: Uncertain significance for Hereditary cancer-predisposing syndrome. Last evaluated: 2025-10-14. Review status: criteria provided, single submitter. Criteria: Ambry Variant Classification Scheme 2023. Collection method: clinical testing. Allele origin: germline.
Comment: The p.V176M variant (also known as c.526G>A), located in coding exon 5 of the PRKAR1A gene, results from a G to A substitution at nucleotide position 526. The valine at codon 176 is replaced by methionine, an amino acid with highly similar properties. This amino acid position is conserved. In addition, this alteration is predicted to be deleterious by in silico analysis. Based on the available evidence, the clinical significance of this variant remains unclear.

Labcorp Genetics (formerly Invitae), Labcorp
Classification: Uncertain significance for Carney complex, type 1. Last evaluated: 2019-10-03. Review status: criteria provided, single submitter. Criteria: Invitae Variant Classification Sherloc (09022015). Collection method: clinical testing. Allele origin: germline.
Comment: This sequence change replaces valine with methionine at codon 176 of the PRKAR1A protein (p.Val176Met). The valine residue is highly conserved and there is a small physicochemical difference between valine and methionine. This variant is not present in population databases (ExAC no frequency). This variant has not been reported in the literature in individuals with PRKAR1A-related conditions. Algorithms developed to predict the effect of missense changes on protein structure and function are either unavailable or do not agree on the potential impact of this missense change (SIFT: "Deleterious"; PolyPhen-2: "Probably Damaging"; Align-GVGD: "Class C15"). In summary, the available evidence is currently insufficient to determine the role of this variant in disease. Therefore, it has been classified as a Variant of Uncertain Significance.